The following is an entry in ClinVar:

ClinVar aggregate classification (germline): Uncertain significance (1 of 4 stars; one submission).

Allele frequency attached by ClinVar (database versions not stated): gnomAD exomes 0.00001.
gnomAD v4.1: 10 of 1,614,166 alleles (0.00062%); highest among the groups gnomAD compares: Non-Finnish European, 0.00076%; no homozygotes.

Submission:

Labcorp Genetics (formerly Invitae), Labcorp
Classification: Uncertain significance. Last evaluated: 2023-05-22. Review status: criteria provided, single submitter. Criteria: Invitae Variant Classification Sherloc (09022015). Collection method: clinical testing. Allele origin: germline.
Comment: This sequence change replaces threonine, which is neutral and polar, with alanine, which is neutral and non-polar, at codon 17 of the SRCAP protein (p.Thr17Ala). This variant is not present in population databases (gnomAD no frequency). This variant has not been reported in the literature in individuals affected with SRCAP-related conditions. Advanced modeling of protein sequence and biophysical properties (such as structural, functional, and spatial information, amino acid conservation, physicochemical variation, residue mobility, and thermodynamic stability) performed at Invitae indicates that this missense variant is not expected to disrupt SRCAP protein function. Algorithms developed to predict the effect of sequence changes on RNA splicing suggest that this variant may create or strengthen a splice site. In summary, the available evidence is currently insufficient to determine the role of this variant in disease. Therefore, it has been classified as a Variant of Uncertain Significance.

NM_006662.3(SRCAP):c.49A>G (p.Thr17Ala)

Gene: SRCAP (Snf2 related CREBBP activator protein; plus strand). Cytogenetic location: 16p11.2.
Variant type: single nucleotide variant.
Coding change: c.49A>G on transcript NM_006662.3 (MANE Select); coding-DNA position 49, A replaced by G.
Protein change: p.Thr17Ala; replaces threonine 17 with alanine.
Molecular consequence: missense variant.
Genome position (GRCh38, 1-based): chr16:30,700,873, A>G. VCF-style: chr16-30700873-A-G. GRCh37 (hg19) VCF-style: chr16-30712194-A-G.
Other names: short protein forms T17A.
Identifiers: ClinVar variation 2867100 (VCV002867100.3), dbSNP rs2506585326, ClinGen allele CA395605442.